The following is an entry in ClinVar:

NM_032444.4(SLX4):c.4397A>G (p.Asp1466Gly)

Gene: SLX4 (SLX4 structure-specific endonuclease subunit; minus strand). Cytogenetic location: 16p13.3.
Variant type: single nucleotide variant.
Coding change: c.4397A>G on transcript NM_032444.4 (MANE Select); coding-DNA position 4397, A replaced by G.
Protein change: p.Asp1466Gly; replaces aspartic acid 1466 with glycine.
Molecular consequence: missense variant.
Genome position (GRCh38, 1-based): chr16:3,589,241, T>C on the plus strand (A>G on the coding strand, the complement: SLX4 is on the minus strand). VCF-style: chr16-3589241-T-C. GRCh37 (hg19) VCF-style: chr16-3639242-T-C.
Other names: short protein forms D1466G.
Identifiers: ClinVar variation 862533 (VCV000862533.7), dbSNP rs753668854, ClinGen allele CA7865656.

ClinVar aggregate classification (germline): Uncertain significance (1 of 4 stars; one submission).

Conditions:
Fanconi anemia (FA). Also called: Fanconi's anemia. Identifiers: Orphanet 84, MedGen C0015625, MeSH D005199, MONDO:0019391.

Allele frequency attached by ClinVar (database versions not stated): ExAC 0.00001; gnomAD exomes 0.00001.
gnomAD v4.1: 1 of 1,608,240 alleles (0.000062%); highest among the groups gnomAD compares: East Asian, 0.0022%; no homozygotes.

Submission:

Labcorp Genetics (formerly Invitae), Labcorp
Classification: Uncertain significance for Fanconi anemia. Last evaluated: 2022-03-05. Review status: criteria provided, single submitter. Criteria: Invitae Variant Classification Sherloc (09022015). Collection method: clinical testing. Allele origin: germline.
Comment: In summary, the available evidence is currently insufficient to determine the role of this variant in disease. Therefore, it has been classified as a Variant of Uncertain Significance. Algorithms developed to predict the effect of missense changes on protein structure and function output the following: SIFT: "Tolerated"; PolyPhen-2: "Benign"; Align-GVGD: "Class C0". The glycine amino acid residue is found in multiple mammalian species, which suggests that this missense change does not adversely affect protein function. ClinVar contains an entry for this variant (Variation ID: 862533). This variant has not been reported in the literature in individuals affected with SLX4-related conditions. This variant is present in population databases (rs753668854, gnomAD 0.01%). This sequence change replaces aspartic acid, which is acidic and polar, with glycine, which is neutral and non-polar, at codon 1466 of the SLX4 protein (p.Asp1466Gly).